The following is an entry in ClinVar:

ClinVar aggregate classification (germline): Uncertain significance (1 of 4 stars; one submission).

gnomAD v4.1: 8 of 1,613,144 alleles (0.0005%); highest among the groups gnomAD compares: African/African-American, 0.0013%; no homozygotes.

Submission:

Labcorp Genetics (formerly Invitae), Labcorp
Classification: Uncertain significance. Last evaluated: 2025-03-19. Review status: criteria provided, single submitter. Criteria: Invitae Variant Classification Sherloc (09022015). Collection method: clinical testing. Allele origin: germline.
Comment: This sequence change replaces asparagine, which is neutral and polar, with serine, which is neutral and polar, at codon 242 of the JAK1 protein (p.Asn242Ser). This variant is present in population databases (rs748091769, gnomAD 0.0009%). This variant has not been reported in the literature in individuals affected with JAK1-related conditions. Invitae Evidence Modeling of protein sequence and biophysical properties (such as structural, functional, and spatial information, amino acid conservation, physicochemical variation, residue mobility, and thermodynamic stability) indicates that this missense variant is not expected to disrupt JAK1 protein function with a negative predictive value of 80%. Experimental studies have shown that this missense change does not substantially affect JAK1 function (PMID: 23788652). In summary, the available evidence is currently insufficient to determine the role of this variant in disease. Therefore, it has been classified as a Variant of Uncertain Significance.

Literature cited by the submitters: PubMed 23788652.

NM_002227.4(JAK1):c.725A>G (p.Asn242Ser)

Gene: JAK1 (Janus kinase 1; minus strand). Cytogenetic location: 1p31.3.
Variant type: single nucleotide variant.
Coding change: c.725A>G on transcript NM_002227.4 (MANE Select); coding-DNA position 725, A replaced by G.
Protein change: p.Asn242Ser; replaces asparagine 242 with serine.
Molecular consequence: missense variant.
Genome position (GRCh38, 1-based): chr1:64,867,131, T>C on the plus strand (A>G on the coding strand, the complement: JAK1 is on the minus strand). VCF-style: chr1-64867131-T-C. GRCh37 (hg19) VCF-style: chr1-65332814-T-C.
Other names: c.725A>G, p.Asn242Ser (NM_001320923.2, NM_001321852.2, NM_001321853.2 and 4 more transcripts); short protein forms N242S.
Identifiers: ClinVar variation 3666330 (VCV003666330.2).